The following is an entry in ClinVar:

ClinVar aggregate classification (germline): Conflicting classifications of pathogenicity. Review status: criteria provided, conflicting classifications (1 of 4 stars). 3 submissions from 3 submitters: Uncertain significance (2); Likely benign (1). Last evaluated 2024-10-16.

Conditions:
Inborn genetic diseases. Identifiers: MedGen C0950123, MeSH D030342.
Intellectual developmental disorder, X-linked, syndromic, Hedera type. Also called: Syndromic X-linked intellectual disability Hedera type. Identifiers: Orphanet 93952, MedGen C1845543, MONDO:0010319, OMIM 300423.

Allele frequency attached by ClinVar (database versions not stated): gnomAD 0.00005 and 0.00003; 1000 Genomes Project 30x 0.00104; gnomAD exomes 0.00003 and 0.00002; TOPMed 0.00003; 1000 Genomes Project 0.00053; ExAC 0.00002.
gnomAD v4.1: 21 of 1,207,997 alleles (0.0017%); highest among the groups gnomAD compares: East Asian, 0.018%; no homozygotes.

Submissions (3):

Labcorp Genetics (formerly Invitae), Labcorp
Classification: Uncertain significance for Intellectual developmental disorder, X-linked, syndromic, Hedera type. Last evaluated: 2024-10-16. Review status: criteria provided, single submitter. Criteria: Invitae Variant Classification Sherloc (09022015). Collection method: clinical testing. Allele origin: germline.
Comment: This sequence change replaces arginine, which is basic and polar, with histidine, which is basic and polar, at codon 152 of the ATP6AP2 protein (p.Arg152His). This variant is present in population databases (rs184634552, gnomAD 0.02%). This variant has not been reported in the literature in individuals affected with ATP6AP2-related conditions. ClinVar contains an entry for this variant (Variation ID: 1040448). Invitae Evidence Modeling of protein sequence and biophysical properties (such as structural, functional, and spatial information, amino acid conservation, physicochemical variation, residue mobility, and thermodynamic stability) indicates that this missense variant is not expected to disrupt ATP6AP2 protein function with a negative predictive value of 80%. In summary, the available evidence is currently insufficient to determine the role of this variant in disease. Therefore, it has been classified as a Variant of Uncertain Significance.

Ambry Genetics
Classification: Likely benign for Inborn genetic diseases. Last evaluated: 2023-05-01. Review status: criteria provided, single submitter. Criteria: Ambry Variant Classification Scheme 2023. Collection method: clinical testing. Allele origin: germline.

Women's Health and Genetics/Laboratory Corporation of America, LabCorp
Classification: Uncertain significance. Last evaluated: 2022-06-14. Review status: criteria provided, single submitter. Criteria: LabCorp Variant Classification Summary - May 2015. Collection method: clinical testing. Allele origin: germline.
Comment: Variant summary: ATP6AP2 c.455G>A (p.Arg152His) results in a non-conservative amino acid change in the encoded protein sequence. Four of five in-silico tools predict a damaging effect of the variant on protein function. The variant allele was found at a frequency of 2.7e-05 in 183466 control chromosomes (gnomAD). The available data on variant occurrences in the general population are insufficient to allow any conclusion about variant significance. To our knowledge, no occurrence of c.455G>A in individuals affected with Syndromic X-Linked Intellectual Disability Hedera Type and no experimental evidence demonstrating its impact on protein function have been reported. One clinical diagnostic laboratory has submitted clinical-significance assessments for this variant to ClinVar after 2014 and classified the variant as uncertain significance. Based on the evidence outlined above, the variant was classified as uncertain significance.

NM_005765.3(ATP6AP2):c.455G>A (p.Arg152His)

Gene: ATP6AP2 (ATPase H+ transporting accessory protein 2; plus strand). Cytogenetic location: Xp11.4.
Variant type: single nucleotide variant.
Coding change: c.455G>A on transcript NM_005765.3 (MANE Select); coding-DNA position 455, G replaced by A.
Protein change: p.Arg152His; replaces arginine 152 with histidine.
Molecular consequence: missense variant.
Genome position (GRCh38, 1-based): chrX:40,597,585, G>A. VCF-style: chrX-40597585-G-A. GRCh37 (hg19) VCF-style: chrX-40456837-G-A.
Other names: short protein forms R152H.
Identifiers: ClinVar variation 1040448 (VCV001040448.10), dbSNP rs184634552, ClinGen allele CA10387214.
Genomic context (GRCh38, chrX:40,597,585, plus strand): 5'-AGAGAGTGTATATGGTAGGGAAGGCAAACTCAGTGTTTGAAGACCTTTCAGTCACCTTGC[G>A]CCAGCTCCGTAATCGCCTGTTTCAAGAAAACTCTGTTCTCAGTTCACTCCCCCTCAATTC-3'
Protein context (NP_005756.2, residues 142-162): SVFEDLSVTL[Arg152His]QLRNRLFQEN